The following is an entry in ClinVar:

NM_005807.6(PRG4):c.3905_3909del (p.Arg1302fs)

Genes: PRG4 (proteoglycan 4; plus strand), TPR (translocated promoter region, nuclear basket protein; minus strand). Cytogenetic location: 1q31.1.
Variant type: Deletion.
Coding change: c.3905_3909del on transcript NM_005807.6 (MANE Select); coding-DNA positions 3905 to 3909, 5 bases deleted (GTCGC; older notation c.3905_3909delGTCGC).
Protein change: p.Arg1302fs; shifts the reading frame from arginine 1302.
Molecular consequence: frameshift variant. On other transcripts: 3 prime UTR variant (1).
Genome position (GRCh38, 1-based): chr1:186,312,286-186,312,290, GTCGC deleted; deleting any 5 consecutive bases within chr1:186,312,285-186,312,290 gives the same sequence; the c. name uses the placement nearest the transcript's 3' end. VCF-style (leftmost placement, unchanged base first): chr1-186312284-ACGTCG-A. GRCh37 (hg19) VCF-style: chr1-186281416-ACGTCG-A.
Other names: c.3782_3786del, p.Arg1261fs (NM_001127708.3); c.3626_3630del, p.Arg1209fs (NM_001127709.3); c.3503_3507del, p.Arg1168fs (NM_001127710.3); c.3776_3780del, p.Arg1259fs (NM_001303232.2); c.*1682_*1686del (NM_003292.3); short protein forms R1168fs, R1209fs, R1259fs, R1261fs, R1302fs.
Identifiers: ClinVar variation 3362579 (VCV003362579.2).
Genomic context (GRCh38, chr1:186,312,284, plus strand): 5'-CCCTGGAAGAAGGCCTGCTCTAAATTATCCAGTGTATGGAGAAACGACACAGGTTAGGAG[ACGTCG>A]CTTTGAACGTGCTATAGGACCTTCTCAAACACACACCATCAGAATTCAATATTCACCTGC-3'

ClinVar aggregate classification (germline): Pathogenic/Likely pathogenic. Review status: criteria provided, multiple submitters, no conflicts (2 of 4 stars). 2 submissions from 2 submitters: Pathogenic (1); Likely pathogenic (1). Last evaluated 2025-10-07.

Conditions:
Camptodactyly-arthropathy-coxa vara-pericarditis syndrome. Also called: FIBROSING SEROSITIS, FAMILIAL; JACOBS SYNDROME; PAC SYNDROME; Arthropathy camptodactyly syndrome; Pericarditis arthropathy camptodactyly syndrome; Congenital familial hypertrophic synovitis. Identifiers: Orphanet 2848, MedGen C1859690, MONDO:0008828, OMIM 208250.

Submissions (2):

3billion
Classification: Pathogenic for Camptodactyly-arthropathy-coxa vara-pericarditis syndrome. Last evaluated: 2025-10-07. Review status: criteria provided, single submitter. Criteria: ACMG Guidelines, 2015. Collection method: clinical testing. Allele origin: germline. Affected: yes.
Comment: The variant is not observed in the gnomAD v4.1.0 dataset. Predicted Consequence/Location: Frameshift: predicted to result in a loss or disruption of normal protein function through nonsense-mediated decay (NMD) or protein truncation. Multiple pathogenic variants are reported downstream of the variant. The variant has been reported to be associated with PRG4-related disorder (ClinVar ID: VCV003362579 /PMID: 28600779). Therefore, this variant is classified as Pathogenic according to the recommendation of ACMG/AMP guideline.

Genomic Medicine Center of Excellence, King Faisal Specialist Hospital and Research Centre
Classification: Likely pathogenic for Camptodactyly-arthropathy-coxa vara-pericarditis syndrome. Last evaluated: 2024-09-22. Review status: criteria provided, single submitter. Criteria: ACMG Guidelines, 2015. Collection method: clinical testing. Allele origin: germline.

Literature cited by the submitters: PubMed 28600779 (cited by 3billion).